The following is an entry in ClinVar:

NM_000535.7(PMS2):c.2318G>A (p.Ser773Asn)

Gene: PMS2 (PMS1 homolog 2, mismatch repair system component; minus strand). Cytogenetic location: 7p22.1.
Variant type: single nucleotide variant.
Coding change: c.2318G>A on transcript NM_000535.7 (MANE Select); coding-DNA position 2318, G replaced by A.
Protein change: p.Ser773Asn; replaces serine 773 with asparagine.
Molecular consequence: missense variant.
Genome position (GRCh38, 1-based): chr7:5,977,715, C>T on the plus strand (G>A on the coding strand, the complement: PMS2 is on the minus strand). VCF-style: chr7-5977715-C-T. GRCh37 (hg19) VCF-style: chr7-6017346-C-T.
Other names: c.1913G>A, p.Ser638Asn (NM_001322003.2, NM_001322004.2, NM_001322005.2); c.2162G>A, p.Ser721Asn (NM_001322006.2); c.2000G>A, p.Ser667Asn (NM_001322007.2, NM_001322008.2); c.1946G>A, p.Ser649Asn (NM_001322009.2); c.1757G>A, p.Ser586Asn (NM_001322010.2); c.1385G>A, p.Ser462Asn (NM_001322011.2, NM_001322012.2); c.1745G>A, p.Ser582Asn (NM_001322013.2); c.2351G>A, p.Ser784Asn (NM_001322014.2); and 1 more; short protein forms S462N, S582N, S586N, S638N, S649N, S667N, S670N, S721N.
Identifiers: ClinVar variation 1692463 (VCV001692463.2), dbSNP rs2128675070, ClinGen allele CA366736019.

ClinVar aggregate classification (germline): Uncertain significance. Review status: criteria provided, multiple submitters, no conflicts (2 of 4 stars). 2 submissions from 2 submitters: Uncertain significance (2). Last evaluated 2025-07-31.

Conditions:
Hereditary nonpolyposis colorectal neoplasms. Identifiers: MedGen C0009405, MeSH D003123.
Hereditary cancer-predisposing syndrome. Also called: Hereditary Cancer Syndrome; Hereditary neoplastic syndrome; Neoplastic Syndromes, Hereditary; Tumor predisposition. Identifiers: Orphanet 140162, MedGen C0027672, MeSH D009386, MONDO:0015356.

Submissions (2):

Labcorp Genetics (formerly Invitae), Labcorp
Classification: Uncertain significance for Hereditary nonpolyposis colorectal neoplasms. Last evaluated: 2025-07-31. Review status: criteria provided, single submitter. Criteria: Invitae Variant Classification Sherloc (09022015). Collection method: clinical testing. Allele origin: germline.
Comment: This sequence change replaces serine, which is neutral and polar, with asparagine, which is neutral and polar, at codon 773 of the PMS2 protein (p.Ser773Asn). The frequency data for this variant in the population databases (gnomAD) is considered unreliable due to the presence of homologous sequence, such as pseudogenes or paralogs, in the genome. This missense change has been observed in individual(s) with breast cancer (PMID: 35449176). ClinVar contains an entry for this variant (Variation ID: 1692463). Invitae Evidence Modeling incorporating data from in vitro experimental studies (internal data) indicates that this missense variant is not expected to disrupt PMS2 function with a negative predictive value of 95%. In summary, the available evidence is currently insufficient to determine the role of this variant in disease. Therefore, it has been classified as a Variant of Uncertain Significance.

Sema4
Classification: Uncertain significance for Hereditary cancer-predisposing syndrome. Last evaluated: 2021-06-15. Review status: criteria provided, single submitter. Criteria: Sema4 Curation Guidelines. Collection method: curation. Allele origin: germline.
Comment: The PMS2 c.2318G>A (p.S773N) variant has not been reported in literature to our knowledge. This variant was not observed in the large and broad cohorts of the Genome Aggregation Database (PMID: 32461654). This variant has been reported in ClinVar (Variation ID 581231). In silico tools suggest the impact of the variant on protein function is inconclusive, though these predictions have not been confirmed by functional studies. The overall evidence is insufficient to meet ACMG/AMP criteria for classifying it as benign or pathogenic. In summary, the clinical significance of this variant is currently uncertain.

Literature cited by the submitters: PubMed 35449176 (cited by Labcorp Genetics (formerly Invitae), Labcorp).